The following is an entry in ClinVar:

ClinVar aggregate classification (germline): Uncertain significance (1 of 4 stars; one submission).

gnomAD v4.1: 53 of 1,611,006 alleles (0.0033%); highest among the groups gnomAD compares: Non-Finnish European, 0.0041%; no homozygotes.

Submission:

Labcorp Genetics (formerly Invitae), Labcorp
Classification: Uncertain significance. Last evaluated: 2022-02-20. Review status: criteria provided, single submitter. Criteria: Invitae Variant Classification Sherloc (09022015). Collection method: clinical testing. Allele origin: germline.
Comment: This sequence change replaces proline, which is neutral and non-polar, with leucine, which is neutral and non-polar, at codon 1098 of the LTBP4 protein (p.Pro1098Leu). This variant is present in population databases (rs541020567, gnomAD 0.006%). This variant has not been reported in the literature in individuals affected with LTBP4-related conditions. Experimental studies and prediction algorithms are not available or were not evaluated, and the functional significance of this variant is currently unknown. In summary, the available evidence is currently insufficient to determine the role of this variant in disease. Therefore, it has been classified as a Variant of Uncertain Significance.

NM_001042545.2(LTBP4):c.3203C>T (p.Pro1068Leu)

Gene: LTBP4 (latent transforming growth factor beta binding protein 4; plus strand). Cytogenetic location: 19q13.2.
Variant type: single nucleotide variant.
Coding change: c.3203C>T on transcript NM_001042545.2 (MANE Select); coding-DNA position 3203, C replaced by T.
Protein change: p.Pro1068Leu; replaces proline 1068 with leucine.
Molecular consequence: missense variant.
Genome position (GRCh38, 1-based): chr19:40,619,479, C>T. VCF-style: chr19-40619479-C-T. GRCh37 (hg19) VCF-style: chr19-41125384-C-T.
Other names: c.3404C>T, p.Pro1135Leu (NM_001042544.1); c.3293C>T, p.Pro1098Leu (NM_003573.2); short protein forms P1068L, P1098L, P1135L.
Identifiers: ClinVar variation 1910393 (VCV001910393.4), dbSNP rs541020567, ClinGen allele CA9448936.